The following is an entry in ClinVar:

NM_000492.4(CFTR):c.173A>G (p.Asp58Gly)

Genes: CFTR (CF transmembrane conductance regulator; plus strand), LOC113664106 (CFTR intron 2 DNase I hypersensitive site; plus strand). Cytogenetic location: 7q31.2.
Variant type: single nucleotide variant.
Coding change: c.173A>G on transcript NM_000492.4 (MANE Select); coding-DNA position 173, A replaced by G.
Protein change: p.Asp58Gly; replaces aspartic acid 58 with glycine.
Molecular consequence: missense variant.
Genome position (GRCh38, 1-based): chr7:117,509,042, A>G. VCF-style: chr7-117509042-A-G. GRCh37 (hg19) VCF-style: chr7-117149096-A-G.
Other names: short protein forms D58G.
Identifiers: ClinVar variation 53368 (VCV000053368.5), dbSNP rs397508291, ClinGen allele CA326647.
Genomic context (GRCh38, chr7:117,509,042, plus strand): 5'-CTAAAATATTTGCACATGCAACTTATTGGTCCCACTTTTTATTCTTTTGCAGAGAATGGG[A>G]TAGAGAGCTGGCTTCAAAGAAAAATCCTAAACTCATTAATGCCCTTCGGCGATGTTTTTT-3'
Protein context (NP_000483.3, residues 48-68): NLSEKLEREW[Asp58Gly]RELASKKNPK

ClinVar aggregate classification (germline): Uncertain significance. Review status: criteria provided, multiple submitters, no conflicts (2 of 4 stars). 3 submissions from 3 submitters: Uncertain significance (2). 1 of the submissions does not count toward it. Last evaluated 2025-09-03.

Conditions:
Cystic fibrosis (CF). Also called: MUCOVISCIDOSIS. Identifiers: Orphanet 586, MedGen C0010674, MONDO:0009061, OMIM 219700. Disease mechanism: loss of function.

gnomAD v4.1: 1 of 1,605,164 alleles (0.000062%); highest among the groups gnomAD compares: South Asian, 0.0011%; no homozygotes.

Submissions (3):

Labcorp Genetics (formerly Invitae), Labcorp
Classification: Uncertain significance for Cystic fibrosis. Last evaluated: 2025-09-03. Review status: criteria provided, single submitter. Criteria: Invitae Variant Classification Sherloc (09022015). Collection method: clinical testing. Allele origin: germline.
Comment: This sequence change replaces aspartic acid, which is acidic and polar, with glycine, which is neutral and non-polar, at codon 58 of the CFTR protein (p.Asp58Gly). This variant is present in population databases (rs397508291, gnomAD 0.003%). This missense change has been observed in individual(s) with CFTR-related conditions (PMID: 21520337). ClinVar contains an entry for this variant (Variation ID: 53368). Invitae Evidence Modeling of protein sequence and biophysical properties (such as structural, functional, and spatial information, amino acid conservation, physicochemical variation, residue mobility, and thermodynamic stability) indicates that this missense variant is expected to disrupt CFTR protein function with a positive predictive value of 80%. In summary, the available evidence is currently insufficient to determine the role of this variant in disease. Therefore, it has been classified as a Variant of Uncertain Significance.

Women's Health and Genetics/Laboratory Corporation of America, LabCorp
Classification: Uncertain significance. Last evaluated: 2024-03-29. Review status: criteria provided, single submitter. Criteria: LabCorp Variant Classification Summary - May 2015. Collection method: clinical testing. Allele origin: germline.
Comment: Variant summary: CFTR c.173A>G (p.Asp58Gly) results in a non-conservative amino acid change in the encoded protein sequence. Four of four in-silico tools predict a damaging effect of the variant on protein function. The variant allele was found at a frequency of 4e-06 in 250818 control chromosomes (gnomAD). The available data on variant occurrences in the general population are insufficient to allow any conclusion about variant significance. c.173A>G has been reported in the literature in a patient affected with congenital bilateral absence of the vas deferens (CBAVD), who carried a second pathogenic variant (Steiner_2011) and in a newborn who had positive CF screening test, but no genotype information was provided (Bozdogan_2021). These data do not allow any conclusion about variant significance. To our knowledge, no experimental evidence demonstrating an impact on protein function has been reported. ClinVar contains an entry for this variant (Variation ID: 53368). Based on the evidence outlined above, the variant was classified as uncertain significance.

ClinVar Staff, National Center for Biotechnology Information (NCBI)
No classification provided. Condition: CFTR-related disorders. Review status: no classification provided. Collection method: literature only. Allele origin: germline. Affected: yes. Not counted in ClinVar's aggregate classification.

Literature cited by the submitters: PubMed 21520337 (cited by Labcorp Genetics (formerly Invitae), Labcorp and Women's Health and Genetics/Laboratory Corporation of America, LabCorp); PubMed 33572515 (cited by Women's Health and Genetics/Laboratory Corporation of America, LabCorp); PubMed 20059485 (cited by ClinVar Staff, National Center for Biotechnology Information (NCBI)).